The following is an entry in ClinVar:

ClinVar aggregate classification (germline): Pathogenic. Review status: criteria provided, multiple submitters, no conflicts (2 of 4 stars). 2 submissions from 2 submitters: Pathogenic (2). Last evaluated 2024-08-10.

Conditions:
Familial cancer of breast. Also called: BREAST CANCER, FAMILIAL; Hereditary breast cancer; hereditary breast carcinoma. Identifiers: Orphanet 227535, MedGen C0346153, MONDO:0016419, OMIM 114480. Disease mechanism: loss of function.
Ataxia-telangiectasia syndrome (AT). Also called: Ataxia-telangiectasia; LOUIS-BAR SYNDROME; AT, COMPLEMENTATION GROUP C; Ataxia-telangiectasia, complementation group E; Ataxia telangiectasia (A-T); Cerebello-oculocutaneous telangiectasia. Identifiers: Orphanet 100, MedGen C0004135, MONDO:0008840, OMIM 208900.

Submissions (2):

Labcorp Genetics (formerly Invitae), Labcorp
Classification: Pathogenic for Ataxia-telangiectasia syndrome. Last evaluated: 2024-08-10. Review status: criteria provided, single submitter. Criteria: Invitae Variant Classification Sherloc (09022015). Collection method: clinical testing. Allele origin: germline.
Comment: This sequence change creates a premature translational stop signal (p.Ala1812Phefs*10) in the ATM gene. It is expected to result in an absent or disrupted protein product. Loss-of-function variants in ATM are known to be pathogenic (PMID: 23807571, 25614872). This variant is not present in population databases (gnomAD no frequency). This variant has not been reported in the literature in individuals affected with ATM-related conditions. ClinVar contains an entry for this variant (Variation ID: 1442957). For these reasons, this variant has been classified as Pathogenic.

Myriad Genetics, Inc.
Classification: Pathogenic for Familial cancer of breast. Last evaluated: 2024-01-25. Review status: criteria provided, single submitter. Criteria: Myriad Autosomal Dominant, Autosomal Recessive and X-Linked Classification Criteria (2023). Collection method: clinical testing. Allele origin: unknown.
Comment: This variant is considered pathogenic. This variant creates a frameshift predicted to result in premature protein truncation.

Literature cited by the submitters: PubMed 23807571 (cited by Labcorp Genetics (formerly Invitae), Labcorp); PubMed 25614872 (cited by Labcorp Genetics (formerly Invitae), Labcorp).

NM_000051.4(ATM):c.5430_5431del (p.Ala1812fs)

Gene: ATM (ATM serine/threonine kinase; plus strand). Cytogenetic location: 11q22.3.
Variant type: Deletion.
Coding change: c.5430_5431del on transcript NM_000051.4 (MANE Select); coding-DNA positions 5430 to 5431, 2 bases deleted (TT; older notation c.5430_5431delTT).
Protein change: p.Ala1812fs; shifts the reading frame from alanine 1812.
Molecular consequence: frameshift variant.
Genome position (GRCh38, 1-based): chr11:108,302,963-108,302,964, TT deleted. VCF-style (leftmost placement, unchanged base first): chr11-108302962-CTT-C. GRCh37 (hg19) VCF-style: chr11-108173689-CTT-C.
Other names: c.5430_5431del, p.Ala1812fs (NM_001351834.2); short protein forms A1812fs.
Identifiers: ClinVar variation 1442957 (VCV001442957.7), dbSNP rs2135929688, ClinGen allele CA2573146611.